The following is an entry in ClinVar:

NM_015466.4(PTPN23):c.4222G>T (p.Ala1408Ser)

Gene: PTPN23 (protein tyrosine phosphatase non-receptor type 23; plus strand). Cytogenetic location: 3p21.31.
Variant type: single nucleotide variant.
Coding change: c.4222G>T on transcript NM_015466.4 (MANE Select); coding-DNA position 4222, G replaced by T.
Protein change: p.Ala1408Ser; replaces alanine 1408 with serine.
Molecular consequence: missense variant.
Genome position (GRCh38, 1-based): chr3:47,412,326, G>T. VCF-style: chr3-47412326-G-T. GRCh37 (hg19) VCF-style: chr3-47453816-G-T.
Other names: c.3844G>T, p.Ala1282Ser (NM_001304482.2); short protein forms A1282S, A1408S.
Identifiers: ClinVar variation 1522040 (VCV001522040.6), dbSNP rs2107727904, ClinGen allele CA352566071.

ClinVar aggregate classification (germline): Uncertain significance (1 of 4 stars; one submission).

Submission:

Labcorp Genetics (formerly Invitae), Labcorp
Classification: Uncertain significance. Last evaluated: 2021-11-01. Review status: criteria provided, single submitter. Criteria: Invitae Variant Classification Sherloc (09022015). Collection method: clinical testing. Allele origin: germline.
Comment: In summary, the available evidence is currently insufficient to determine the role of this variant in disease. Therefore, it has been classified as a Variant of Uncertain Significance. Algorithms developed to predict the effect of missense changes on protein structure and function are either unavailable or do not agree on the potential impact of this missense change (SIFT: "Deleterious"; PolyPhen-2: "Probably Damaging"; Align-GVGD: "Class C0"). This variant has not been reported in the literature in individuals affected with PTPN23-related conditions. This variant is not present in population databases (gnomAD no frequency). This sequence change replaces alanine, which is neutral and non-polar, with serine, which is neutral and polar, at codon 1408 of the PTPN23 protein (p.Ala1408Ser).